The following is an entry in ClinVar:

ClinVar aggregate classification (germline): Pathogenic (1 of 4 stars; one submission).

Conditions:
Bardet-Biedl syndrome (BBS). Identifiers: Orphanet 110, MedGen C0752166, MONDO:0015229.

Submission:

Labcorp Genetics (formerly Invitae), Labcorp
Classification: Pathogenic for Bardet-Biedl syndrome. Last evaluated: 2026-01-13. Review status: criteria provided, single submitter. Criteria: Invitae Variant Classification Sherloc (09022015). Collection method: clinical testing. Allele origin: germline.
Comment: This sequence change creates a premature translational stop signal (p.Gln553Hisfs*24) in the BBS7 gene. It is expected to result in an absent or disrupted protein product. Loss-of-function variants in BBS7 are known to be pathogenic (PMID: 12567324, 19402160, 21209035, 31196119). This variant is present in population databases (no rsID available, gnomAD 0.006%). This variant has not been reported in the literature in individuals affected with BBS7-related conditions. ClinVar contains an entry for this variant (Variation ID: 2758461). For these reasons, this variant has been classified as Pathogenic.

Literature cited by the submitters: PubMed 12567324; PubMed 19402160; PubMed 21209035; PubMed 31196119.

NM_176824.3(BBS7):c.1659del (p.Gln553fs)

Gene: BBS7 (Bardet-Biedl syndrome 7; minus strand). Cytogenetic location: 4q27.
Variant type: Deletion.
Coding change: c.1659del on transcript NM_176824.3 (MANE Select); coding-DNA position 1659, one base deleted (A; older notation c.1659delA).
Protein change: p.Gln553fs; shifts the reading frame from glutamine 553.
Molecular consequence: frameshift variant.
Genome position (GRCh38, 1-based): chr4:121,833,248, T deleted on the plus strand (A on the coding strand, the reverse complement: BBS7 is on the minus strand); the first of 2 consecutive T bases (chr4:121,833,248-121,833,249); deleting either gives the same sequence. VCF-style (leftmost placement, unchanged base first): chr4-121833247-GT-G. GRCh37 (hg19) VCF-style: chr4-122754402-GT-G.
Other names: c.1659del, p.Gln553fs (NM_018190.4); short protein forms Q553fs.
Identifiers: ClinVar variation 2758461 (VCV002758461.3), dbSNP rs1191668967, ClinGen allele CA554524274.